The following is an entry in ClinVar:

ClinVar aggregate classification (germline): Uncertain significance. Review status: criteria provided, multiple submitters, no conflicts (2 of 4 stars). 3 submissions from 3 submitters: Uncertain significance (3). Last evaluated 2025-10-09.

Conditions:
Hereditary nonpolyposis colorectal neoplasms. Identifiers: MedGen C0009405, MeSH D003123.
Hereditary cancer-predisposing syndrome. Also called: Neoplastic Syndromes, Hereditary; Tumor predisposition; Hereditary Cancer Syndrome; Hereditary neoplastic syndrome. Identifiers: Orphanet 140162, MedGen C0027672, MeSH D009386, MONDO:0015356.

gnomAD v4.1: 1 of 1,614,162 alleles (0.000062%); highest among the groups gnomAD compares: Non-Finnish European, 0.000085%; no homozygotes.

Submissions (3):

Labcorp Genetics (formerly Invitae), Labcorp
Classification: Uncertain significance for Hereditary nonpolyposis colorectal neoplasms. Last evaluated: 2025-10-09. Review status: criteria provided, single submitter. Criteria: Invitae Variant Classification Sherloc (09022015). Collection method: clinical testing. Allele origin: germline.
Comment: This sequence change replaces glutamine, which is neutral and polar, with glutamic acid, which is acidic and polar, at codon 132 of the MSH6 protein (p.Gln132Glu). This variant is not present in population databases (gnomAD no frequency). This variant has not been reported in the literature in individuals affected with MSH6-related conditions. ClinVar contains an entry for this variant (Variation ID: 141907). Invitae Evidence Modeling of protein sequence and biophysical properties (such as structural, functional, and spatial information, amino acid conservation, physicochemical variation, residue mobility, and thermodynamic stability) indicates that this missense variant is not expected to disrupt MSH6 protein function with a negative predictive value of 95%. In summary, the available evidence is currently insufficient to determine the role of this variant in disease. Therefore, it has been classified as a Variant of Uncertain Significance.

Ambry Genetics
Classification: Uncertain significance for Hereditary cancer-predisposing syndrome. Last evaluated: 2024-02-12. Review status: criteria provided, single submitter. Criteria: Ambry Variant Classification Scheme 2023. Collection method: clinical testing. Allele origin: germline.
Comment: The p.Q132E variant (also known as c.394C>G), located in coding exon 2 of the MSH6 gene, results from a C to G substitution at nucleotide position 394. The glutamine at codon 132 is replaced by glutamic acid, an amino acid with highly similar properties. This amino acid position is well conserved in available vertebrate species. In addition, this alteration is predicted to be tolerated by in silico analysis. Since supporting evidence is limited at this time, the clinical significance of this alteration remains unclear.

Color Diagnostics, LLC DBA Color Health
Classification: Uncertain significance for Hereditary cancer-predisposing syndrome. Last evaluated: 2019-03-14. Review status: criteria provided, single submitter. Criteria: ACMG Guidelines, 2015. Collection method: clinical testing. Allele origin: germline.

NM_000179.3(MSH6):c.394C>G (p.Gln132Glu)

Gene: MSH6 (mutS homolog 6; plus strand). Cytogenetic location: 2p16.3.
Variant type: single nucleotide variant.
Coding change: c.394C>G on transcript NM_000179.3 (MANE Select); coding-DNA position 394, C replaced by G.
Protein change: p.Gln132Glu; replaces glutamine 132 with glutamic acid.
Molecular consequence: missense variant. On other transcripts: 5 prime UTR variant (2), intron variant (1).
Genome position (GRCh38, 1-based): chr2:47,791,060, C>G. VCF-style: chr2-47791060-C-G. GRCh37 (hg19) VCF-style: chr2-48018199-C-G.
Other names: c.-343C>G (NM_001281493.2); c.-509C>G (NM_001281494.2); c.238-7551C>G (NM_001281492.2); short protein forms Q132E.
Identifiers: ClinVar variation 141907 (VCV000141907.15), dbSNP rs587782101, ClinGen allele CA014803.